The following is an entry in ClinVar:

ClinVar aggregate classification (germline): Uncertain significance (1 of 4 stars; one submission).

Conditions:
Familial adenomatous polyposis 1 (FAP1). Also called: POLYPOSIS, ADENOMATOUS INTESTINAL; FAMILIAL ADENOMATOUS POLYPOSIS 1, ATTENUATED. Identifiers: MedGen C2713442, MONDO:0021056, OMIM 175100. Disease mechanism: loss of function.

Submission:

Labcorp Genetics (formerly Invitae), Labcorp
Classification: Uncertain significance for Familial adenomatous polyposis 1. Last evaluated: 2019-11-13. Review status: criteria provided, single submitter. Criteria: Invitae Variant Classification Sherloc (09022015). Collection method: clinical testing. Allele origin: germline.
Comment: Experimental studies and prediction algorithms are not available for this variant, and the functional significance of this non-coding change is currently unknown. In summary, the available evidence is currently insufficient to determine the role of this variant in disease. Therefore, it has been classified as a Variant of Uncertain Significance. This variant has not been reported in the literature in individuals with APC-related conditions. The frequency data for this variant in the population databases is considered unreliable, as metrics indicate insufficient coverage at this position in the ExAC database. This variant occurs in a non-coding region of the APC gene. It does not change the encoded amino acid sequence of the APC protein.

NC_000005.10:g.112707333del

Gene: APC (APC regulator of Wnt signaling pathway; plus strand). Cytogenetic location: 5q22.2.
Variant type: Deletion.
Genome position: GRCh38 VCF-style: chr5-112707331-AG-A. GRCh37 (hg19) VCF-style: chr5-112043028-AG-A.
Identifiers: ClinVar variation 1052288 (VCV001052288.10), dbSNP rs2149627962, ClinGen allele CA2499217365.